The following is an entry in ClinVar:

NM_001164665.2(KIAA1549):c.1438G>A (p.Val480Ile)

Gene: KIAA1549 (KIAA1549; minus strand). Cytogenetic location: 7q34.
Variant type: single nucleotide variant.
Coding change: c.1438G>A on transcript NM_001164665.2 (MANE Select); coding-DNA position 1438, G replaced by A.
Protein change: p.Val480Ile; replaces valine 480 with isoleucine.
Molecular consequence: missense variant.
Genome position (GRCh38, 1-based): chr7:138,918,188, C>T on the plus strand (G>A on the coding strand, the complement: KIAA1549 is on the minus strand). VCF-style: chr7-138918188-C-T. GRCh37 (hg19) VCF-style: chr7-138602934-C-T.
Other names: c.1438G>A, p.Val480Ile (NM_020910.3); short protein forms V480I.
Identifiers: ClinVar variation 2001058 (VCV002001058.4), dbSNP rs774214000, ClinGen allele CA4506728.
Genomic context (GRCh38, chr7:138,918,188, plus strand): 5'-TTTCCATGGATCTAGAAGAAAGTGGGACGATAGGTCTGGAGGGGAAAAGCGTATTAAATA[C>T]TTGAGGATCTTCCTCAAATTCAGAGAAGTCTGCTACGACGCTACTCATTAGAGAGATGCT-3'
Protein context (NP_001158137.1, residues 470-490): DFSEFEEDPQ[Val480Ile]FNTLFPSRPI

ClinVar aggregate classification (germline): Uncertain significance (1 of 4 stars; one submission).

Allele frequency attached by ClinVar (database versions not stated): gnomAD exomes below 0.00001; ExAC 0.00001.
gnomAD v4.1: 1 of 1,613,924 alleles (0.000062%); highest among the groups gnomAD compares: African/African-American, 0.0013%; no homozygotes.

Submission:

Labcorp Genetics (formerly Invitae), Labcorp
Classification: Uncertain significance. Last evaluated: 2022-05-30. Review status: criteria provided, single submitter. Criteria: Invitae Variant Classification Sherloc (09022015). Collection method: clinical testing. Allele origin: germline.
Comment: This sequence change replaces valine, which is neutral and non-polar, with isoleucine, which is neutral and non-polar, at codon 480 of the KIAA1549 protein (p.Val480Ile). This variant is present in population databases (rs774214000, gnomAD 0.007%). This variant has not been reported in the literature in individuals affected with KIAA1549-related conditions. Algorithms developed to predict the effect of missense changes on protein structure and function (SIFT, PolyPhen-2, Align-GVGD) all suggest that this variant is likely to be tolerated. In summary, the available evidence is currently insufficient to determine the role of this variant in disease. Therefore, it has been classified as a Variant of Uncertain Significance.